The following is an entry in ClinVar:

NM_171998.4(RAB39B):c.172A>T (p.Ile58Phe)

Gene: RAB39B (RAB39B, member RAS oncogene family; minus strand). Cytogenetic location: Xq28.
Variant type: single nucleotide variant.
Coding change: c.172A>T on transcript NM_171998.4 (MANE Select); coding-DNA position 172, A replaced by T.
Protein change: p.Ile58Phe; replaces isoleucine 58 with phenylalanine.
Molecular consequence: missense variant.
Genome position (GRCh38, 1-based): chrX:155,264,117, T>A on the plus strand (A>T on the coding strand, the complement: RAB39B is on the minus strand). VCF-style: chrX-155264117-T-A. GRCh37 (hg19) VCF-style: chrX-154493402-T-A.
Other names: short protein forms I58F.
Identifiers: ClinVar variation 3776331 (VCV003776331.1).

ClinVar aggregate classification (germline): Uncertain significance (1 of 4 stars; one submission).

gnomAD v4.1: 2 of 1,209,316 alleles (0.00017%); highest among the groups gnomAD compares: African/African-American, 0.0018%; no homozygotes.

Submission:

GeneDx
Classification: Uncertain significance. Last evaluated: 2024-10-04. Review status: criteria provided, single submitter. Criteria: GeneDx Variant Classification Process June 2021. Collection method: clinical testing. Allele origin: germline. Affected: yes.
Comment: Not observed at significant frequency in large population cohorts (gnomAD); In silico analysis supports that this missense variant has a deleterious effect on protein structure/function; Has not been previously published as pathogenic or benign to our knowledge